The following is an entry in ClinVar:

ClinVar aggregate classification (germline): Uncertain significance (1 of 4 stars; one submission).

Conditions:
Duchenne muscular dystrophy (DMD). Also called: MUSCULAR DYSTROPHY, PSEUDOHYPERTROPHIC PROGRESSIVE, DUCHENNE TYPE; Duchenne Muscular Dystrophy (DMD). Identifiers: Orphanet 98896, MedGen C0013264, MONDO:0010679, OMIM 310200.

Submission:

Labcorp Genetics (formerly Invitae), Labcorp
Classification: Uncertain significance for Duchenne muscular dystrophy. Last evaluated: 2022-11-01. Review status: criteria provided, single submitter. Criteria: Invitae Variant Classification Sherloc (09022015). Collection method: clinical testing. Allele origin: germline.
Comment: In summary, the available evidence is currently insufficient to determine the role of this variant in disease. Therefore, it has been classified as a Variant of Uncertain Significance. Experimental studies and prediction algorithms are not available or were not evaluated, and the functional significance of this variant is currently unknown. This variant has not been reported in the literature in individuals affected with DMD-related conditions. This variant results in a copy number gain of the genomic region encompassing exon(s) 30-44 of the DMD gene. While the exact position of this variant cannot be determined from the data, sub-genic copy number gains are generally in tandem (PMID: 25640679). This variant is predicted to be in-frame, and likely preserves the integrity of the reading frame.

Literature cited by the submitters: PubMed 25640679.

NC_000023.10:g.(?_32235013)_(32430050_?)dup

Gene: DMD (dystrophin; minus strand). Cytogenetic location: Xp21.1.
Variant type: Duplication.
Identifiers: ClinVar variation 1374666 (VCV001374666.6).